The following is an entry in ClinVar:

NM_000518.5(HBB):c.164T>C (p.Val55Ala)

Genes: HBB (hemoglobin subunit beta; minus strand), LOC106099062 (HBB recombination region; plus strand), LOC107133510 (origin of replication at HBB; plus strand). Cytogenetic location: 11p15.4.
Variant type: single nucleotide variant.
Coding change: c.164T>C on transcript NM_000518.5 (MANE Select); coding-DNA position 164, T replaced by C.
Protein change: p.Val55Ala; replaces valine 55 with alanine.
Molecular consequence: missense variant.
Genome position (GRCh38, 1-based): chr11:5,226,728, A>G on the plus strand (T>C on the coding strand, the complement: HBB is on the minus strand). VCF-style: chr11-5226728-A-G. GRCh37 (hg19) VCF-style: chr11-5247958-A-G.
Other names: short protein forms V55A.
Identifiers: ClinVar variation 1683259 (VCV001683259.1), dbSNP rs34037627, ClinGen allele CA379273916.
Genomic context (GRCh38, chr11:5,226,728, plus strand): 5'-CCATCACTAAAGGCACCGAGCACTTTCTTGCCATGAGCCTTCACCTTAGGGTTGCCCATA[A>G]CAGCATCAGGAGTGGACAGATCCCCAAAGGACTCAAAGAACCTCTGGGTCCAAGGGTAGA-3'
Protein context (NP_000509.1, residues 45-65): SFGDLSTPDA[Val55Ala]MGNPKVKAHG

ClinVar aggregate classification (germline): Uncertain significance (1 of 4 stars; one submission).

Submission:

Women's Health and Genetics/Laboratory Corporation of America, LabCorp
Classification: Uncertain significance. Last evaluated: 2022-04-06. Review status: criteria provided, single submitter. Criteria: LabCorp Variant Classification Summary - May 2015. Collection method: clinical testing. Allele origin: germline.
Comment: Variant summary: HBB c.164T>C (p.Val55Ala) results in a non-conservative amino acid change in the encoded protein sequence. Four of five in-silico tools predict a damaging effect of the variant on protein function. The variant was absent in 251452 control chromosomes (gnomAD). The available data on variant occurrences in the general population are insufficient to allow any conclusion about variant significance. c.164T>C has been reported in the literature in an individual affected with beta-thalassemia intermedia (Vucak_2018). However, this report does not provide unequivocal conclusions about association of the variant with Hemoglobinopathy. To our knowledge, no experimental evidence demonstrating an impact on protein function has been reported. No clinical diagnostic laboratories have submitted clinical-significance assessments for this variant to ClinVar after 2014. Based on the evidence outlined above, the variant was classified as uncertain significance.

Literature cited by the submitters: PubMed 17932132; PubMed 29240028.